The following is an entry in ClinVar:

NM_001365276.2(TNXB):c.1486G>C (p.Ala496Pro)

Gene: TNXB (tenascin XB; minus strand). Cytogenetic location: 6p21.33.
Variant type: single nucleotide variant.
Coding change: c.1486G>C on transcript NM_001365276.2 (MANE Select); coding-DNA position 1486, G replaced by C.
Protein change: p.Ala496Pro; replaces alanine 496 with proline.
Molecular consequence: missense variant.
Genome position (GRCh38, 1-based): chr6:32,096,367, C>G on the plus strand (G>C on the coding strand, the complement: TNXB is on the minus strand). VCF-style: chr6-32096367-C-G. GRCh37 (hg19) VCF-style: chr6-32064144-C-G.
Other names: p.Ala496Pro; c.1486G>C, p.Ala496Pro (NM_001428335.1, NM_019105.8); short protein forms A496P.
Identifiers: ClinVar variation 4541150 (VCV004541150.1).

ClinVar aggregate classification (germline): Uncertain significance (1 of 4 stars; one submission).

gnomAD v4.1: 3 of 1,548,078 alleles (0.00019%); highest among the groups gnomAD compares: East Asian, 0.0048%; no homozygotes.

Submission:

Mayo Clinic Laboratories, Mayo Clinic
Classification: Uncertain significance. Last evaluated: 2025-03-25. Review status: criteria provided, single submitter. Criteria: ACMG Guidelines, 2015. Collection method: clinical testing. Allele origin: germline. Observed: 1 variant allele.
Comment: BP4_moderate, PM2_supporting